The following is an entry in ClinVar:

NM_000179.3(MSH6):c.2169T>G (p.Gly723=)

Gene: MSH6 (mutS homolog 6; plus strand). Cytogenetic location: 2p16.3.
Variant type: single nucleotide variant.
Coding change: c.2169T>G on transcript NM_000179.3 (MANE Select); coding-DNA position 2169, T replaced by G.
Protein change: p.Gly723=; no amino-acid change (glycine 723 retained).
Molecular consequence: synonymous variant.
Genome position (GRCh38, 1-based): chr2:47,800,152, T>G. VCF-style: chr2-47800152-T-G. GRCh37 (hg19) VCF-style: chr2-48027291-T-G.
Other names: c.1779T>G, p.Gly593= (NM_001281492.2); c.1263T>G, p.Gly421= (NM_001281493.2, NM_001281494.2).
Identifiers: ClinVar variation 416188 (VCV000416188.19), dbSNP rs769422122, ClinGen allele CA16610904.

ClinVar aggregate classification (germline): Benign/Likely benign. Review status: criteria provided, multiple submitters, no conflicts (2 of 4 stars). 4 submissions from 4 submitters: Benign (1); Likely benign (3). Last evaluated 2024-12-30.

Conditions:
Hereditary nonpolyposis colorectal neoplasms. Identifiers: MedGen C0009405, MeSH D003123.
Hereditary cancer-predisposing syndrome. Also called: Tumor predisposition; Neoplastic Syndromes, Hereditary; Hereditary neoplastic syndrome; Hereditary Cancer Syndrome. Identifiers: Orphanet 140162, MedGen C0027672, MeSH D009386, MONDO:0015356.
Lynch syndrome 5 (LYNCH5). Also called: Colorectal cancer, hereditary nonpolyposis, type 5; Hereditary non-polyposis colorectal cancer, type 5. Identifiers: Orphanet 144, MedGen C1833477, MONDO:0013710, OMIM 614350. Disease mechanism: loss of function.

Allele frequency attached by ClinVar (database versions not stated): TOPMed 0.00002.
gnomAD v4.1: 1 of 1,614,046 alleles (0.000062%); highest among the groups gnomAD compares: African/African-American, 0.0013%; no homozygotes.

Submissions (4):

Myriad Genetics, Inc.
Classification: Benign for Lynch syndrome 5. Last evaluated: 2024-12-30. Review status: criteria provided, single submitter. Criteria: Myriad Autosomal Dominant, Autosomal Recessive and X-Linked Classification Criteria (2023). Collection method: clinical testing. Allele origin: unknown.
Comment: This variant is considered benign. This variant is a silent/synonymous amino acid change and it is not expected to impact splicing.

Labcorp Genetics (formerly Invitae), Labcorp
Classification: Likely benign for Hereditary nonpolyposis colorectal neoplasms. Last evaluated: 2024-02-01. Review status: criteria provided, single submitter. Criteria: Invitae Variant Classification Sherloc (09022015). Collection method: clinical testing. Allele origin: germline.

Ambry Genetics
Classification: Likely benign for Hereditary cancer-predisposing syndrome. Last evaluated: 2018-02-06. Review status: criteria provided, single submitter. Criteria: Ambry Variant Classification Scheme 2023. Collection method: clinical testing. Allele origin: germline.

Color Diagnostics, LLC DBA Color Health
Classification: Likely benign for Hereditary cancer-predisposing syndrome. Last evaluated: 2016-11-18. Review status: criteria provided, single submitter. Criteria: ACMG Guidelines, 2015. Collection method: clinical testing. Allele origin: germline.